The following is an entry in ClinVar:

ClinVar aggregate classification (germline): Benign. Review status: criteria provided, multiple submitters, no conflicts (2 of 4 stars). 2 submissions from 2 submitters: Benign (2). Last evaluated 2018-01-13.

Conditions:
Landau-Kleffner syndrome (FESD). Also called: EPILEPSY, FOCAL, WITH SPEECH DISORDER AND WITH OR WITHOUT MENTAL RETARDATION; APHASIA, ACQUIRED, WITH EPILEPSY. Identifiers: Orphanet 1945, Orphanet 725, Orphanet 98818, MedGen C0282512, MONDO:0009509, OMIM 245570.

Allele frequency attached by ClinVar (database versions not stated): gnomAD 0.00254 and 0.00180; 1000 Genomes Project 30x 0.01187; gnomAD exomes 0.01005; 1000 Genomes Project 0.01298; TOPMed 0.00264.
gnomAD v4.1: 840 of 199,022 alleles (0.42%); highest among the groups gnomAD compares: East Asian, 5.8%; 35 homozygotes.

Submissions (2):

Illumina Laboratory Services, Illumina
Classification: Benign for Landau-Kleffner syndrome. Last evaluated: 2018-01-13. Review status: criteria provided, single submitter. Criteria: ICSL Variant Classification Criteria 13 December 2019. Collection method: clinical testing. Allele origin: germline.
Comment: This variant was observed in the ICSL laboratory as part of a predisposition screen in an ostensibly healthy population. It had not been previously curated by ICSL or reported in the Human Gene Mutation Database (HGMD: prior to June 1st, 2018), and was therefore a candidate for classification through an automated scoring system. Utilizing variant allele frequency, disease prevalence and penetrance estimates, and inheritance mode, an automated score was calculated to assess if this variant is too frequent to cause the disease. Based on the score and internal cut-off values, a variant classified as benign is not then subjected to further curation. The score for this variant resulted in a classification of benign for this disease.

Breakthrough Genomics
Classification: Benign. Review status: criteria provided, single submitter. Criteria: ACMG Guidelines, 2015. Collection method: not provided. Allele origin: germline. Inheritance: Autosomal dominant inheritance. Affected: yes.

NM_001134407.3(GRIN2A):c.*6545C>A

Gene: GRIN2A (glutamate ionotropic receptor NMDA type subunit 2A; minus strand). Cytogenetic location: 16p13.2.
Variant type: single nucleotide variant.
Coding change: c.*6545C>A on transcript NM_001134407.3 (MANE Select); 6545 bases downstream of the stop codon, C replaced by A.
Molecular consequence: 3 prime UTR variant.
Genome position (GRCh38, 1-based): chr16:9,756,604, G>T on the plus strand (C>A on the coding strand, the complement: GRIN2A is on the minus strand). VCF-style: chr16-9756604-G-T. GRCh37 (hg19) VCF-style: chr16-9850461-G-T.
Other names: c.*6545C>A (NM_000833.5); c.*6751C>A (NM_001134408.2).
Identifiers: ClinVar variation 321506 (VCV000321506.6), dbSNP rs59394706, ClinGen allele CA10649406.
Genomic context (GRCh38, chr16:9,756,604, plus strand): 5'-ATGTCTAACGTTAGGGATTTACTAGCTAATTCTAGTTGCTGACGAGGTTGAGAAAAACCT[G>T]AGCCTCAGTTTCCTTATCTGTAAAATGGGAGCAATCATATTTATATCTTAAGGTTGTTTT-3'